The following is an entry in ClinVar:

ClinVar aggregate classification (germline): Likely benign (1 of 4 stars; one submission).

Submission:

GeneDx
Classification: Likely benign. Last evaluated: 2016-07-29. Review status: criteria provided, single submitter. Criteria: GeneDx Variant Classification (06012015). Collection method: clinical testing. Allele origin: germline. Affected: yes.
Comment: This variant is considered likely benign or benign based on one or more of the following criteria: it is a conservative change, it occurs at a poorly conserved position in the protein, it is predicted to be benign by multiple in silico algorithms, and/or has population frequency not consistent with disease.

NM_012309.5(SHANK2):c.3231C>A (p.Pro1077=)

Gene: SHANK2 (SH3 and multiple ankyrin repeat domains 2; minus strand). Cytogenetic location: 11q13.3.
Variant type: single nucleotide variant.
Coding change: c.3231C>A on transcript NM_012309.5 (MANE Select); coding-DNA position 3231, C replaced by A.
Protein change: p.Pro1077=; no amino-acid change (proline 1077 retained).
Molecular consequence: synonymous variant.
Genome position (GRCh38, 1-based): chr11:70,487,062, G>T on the plus strand (C>A on the coding strand, the complement: SHANK2 is on the minus strand). VCF-style: chr11-70487062-G-T. GRCh37 (hg19) VCF-style: chr11-70333167-G-T.
Other names: c.2094C>A, p.Pro698= (NM_001379226.1); c.1467C>A, p.Pro489= (NM_133266.5).
Identifiers: ClinVar variation 388301 (VCV000388301.1), dbSNP rs1591489781, ClinGen allele CA475709612.